The following is an entry in ClinVar:

ClinVar aggregate classification (germline): Uncertain significance (1 of 4 stars; one submission).

Submission:

Labcorp Genetics (formerly Invitae), Labcorp
Classification: Uncertain significance. Last evaluated: 2021-03-16. Review status: criteria provided, single submitter. Criteria: Invitae Variant Classification Sherloc (09022015). Collection method: clinical testing. Allele origin: germline.
Comment: In summary, the available evidence is currently insufficient to determine the role of this variant in disease. Therefore, it has been classified as a Variant of Uncertain Significance. Algorithms developed to predict the effect of missense changes on protein structure and function are either unavailable or do not agree on the potential impact of this missense change (SIFT: "Not Available"; PolyPhen-2: "Benign"; Align-GVGD: "Not Available"). This variant has not been reported in the literature in individuals with UNC45A-related conditions. This variant is not present in population databases (ExAC no frequency). This sequence change replaces threonine with alanine at codon 718 of the UNC45A protein (p.Thr718Ala). The threonine residue is highly conserved and there is a small physicochemical difference between threonine and alanine.

NM_018671.5(UNC45A):c.2152A>G (p.Thr718Ala)

Gene: UNC45A (unc-45 myosin chaperone A; plus strand). Cytogenetic location: 15q26.1.
Variant type: single nucleotide variant.
Coding change: c.2152A>G on transcript NM_018671.5 (MANE Select); coding-DNA position 2152, A replaced by G.
Protein change: p.Thr718Ala; replaces threonine 718 with alanine.
Molecular consequence: missense variant.
Genome position (GRCh38, 1-based): chr15:90,950,232, A>G. VCF-style: chr15-90950232-A-G. GRCh37 (hg19) VCF-style: chr15-91493462-A-G.
Other names: c.2107A>G, p.Thr703Ala (NM_001039675.2, NM_001323621.2); c.2152A>G, p.Thr718Ala (NM_001323619.1); c.1717A>G, p.Thr573Ala (NM_001323620.2); short protein forms T573A, T703A, T718A.
Identifiers: ClinVar variation 1464126 (VCV001464126.6), dbSNP rs1596240587, ClinGen allele CA393860628.